The following is an entry in ClinVar:

NM_003801.4(GPAA1):c.1011-2_1011-1del

Gene: GPAA1 (glycosylphosphatidylinositol anchor attachment 1; plus strand). Cytogenetic location: 8q24.3.
Variant type: Deletion.
Coding change: c.1011-2_1011-1del on transcript NM_003801.4 (MANE Select); the canonical splice acceptor site of the intron before coding-DNA position 1011, 2 bases deleted (AG; older notation c.1011-2_1011-1delAG).
Molecular consequence: splice acceptor variant.
Genome position (GRCh38, 1-based): chr8:144,084,720-144,084,721, AG deleted. VCF-style (leftmost placement, unchanged base first): chr8-144084719-CAG-C. GRCh37 (hg19) VCF-style: chr8-145139622-CAG-C.
Identifiers: ClinVar variation 2074334 (VCV002074334.4), dbSNP rs773061439, ClinGen allele CA4933022.

ClinVar aggregate classification (germline): Likely pathogenic. Review status: criteria provided, multiple submitters, no conflicts (2 of 4 stars). 2 submissions from 2 submitters: Likely pathogenic (2). Last evaluated 2025-09-24.

Conditions:
Glycosylphosphatidylinositol biosynthesis defect 15. Also called: DEVELOPMENTAL DELAY, EPILEPSY, CEREBELLAR ATROPHY, AND OSTEOPENIA. Identifiers: Orphanet 529665, MedGen C4540520, MONDO:0060627, OMIM 617810.

Allele frequency attached by ClinVar (database versions not stated): gnomAD 0.00001; ExAC 0.00002; gnomAD exomes 0.00002; TOPMed 0.00002.

Submissions (2):

First Genomix Gene Laboratory, Genetic Diagnostics Department
Classification: Likely pathogenic for Glycosylphosphatidylinositol biosynthesis defect 15. Last evaluated: 2025-09-24. Review status: criteria provided, single submitter. Criteria: ACMG Guidelines, 2015. Collection method: clinical testing. Allele origin: germline. Inheritance: Autosomal recessive inheritance. Affected: no. Observed: 1 variant allele.

Labcorp Genetics (formerly Invitae), Labcorp
Classification: Likely pathogenic. Last evaluated: 2022-06-27. Review status: criteria provided, single submitter. Criteria: Invitae Variant Classification Sherloc (09022015). Collection method: clinical testing. Allele origin: germline.
Comment: In summary, the currently available evidence indicates that the variant is pathogenic, but additional data are needed to prove that conclusively. Therefore, this variant has been classified as Likely Pathogenic. Algorithms developed to predict the effect of sequence changes on RNA splicing suggest that this variant may disrupt the consensus splice site. This variant has not been reported in the literature in individuals affected with GPAA1-related conditions. This variant is present in population databases (rs773061439, gnomAD 0.003%). This sequence change affects a splice site in intron 7 of the GPAA1 gene. It is expected to disrupt RNA splicing. Variants that disrupt the donor or acceptor splice site typically lead to a loss of protein function (PMID: 16199547), and loss-of-function variants in GPAA1 are known to be pathogenic (PMID: 29100095).

Literature cited by the submitters: PubMed 16199547 (cited by Labcorp Genetics (formerly Invitae), Labcorp); PubMed 29100095 (cited by Labcorp Genetics (formerly Invitae), Labcorp).